The following is an entry in ClinVar:

ClinVar aggregate classification (germline): Uncertain significance (1 of 4 stars; one submission).

Conditions:
Amyotrophic lateral sclerosis type 4 (ALS4). Also called: NEURONOPATHY, DISTAL HEREDITARY MOTOR, WITH PYRAMIDAL FEATURES; AMYOTROPHIC LATERAL SCLEROSIS 4, JUVENILE. Identifiers: Orphanet 357043, MedGen C1865409, MONDO:0011223, OMIM 602433.
Spinocerebellar ataxia, autosomal recessive, with axonal neuropathy 2 (SCAN2). Also called: Ataxia with Oculomotor Apraxia; ATAXIA-OCULOMOTOR APRAXIA 2; Ataxia-ocular apraxia-2; Ataxia with Oculomotor Apraxia Type 2. Identifiers: Orphanet 64753, MedGen C1853761, MONDO:0018996, OMIM 606002.

Submission:

Labcorp Genetics (formerly Invitae), Labcorp
Classification: Uncertain significance for Amyotrophic lateral sclerosis type 4; Spinocerebellar ataxia, autosomal recessive, with axonal neuropathy 2. Last evaluated: 2022-04-15. Review status: criteria provided, single submitter. Criteria: Invitae Variant Classification Sherloc (09022015). Collection method: clinical testing. Allele origin: germline.
Comment: This variant results in a copy number gain of the genomic region encompassing exon(s) 7 of the SETX gene. While the exact position of this variant cannot be determined from the data, sub-genic copy number gains are generally in tandem (PMID: 25640679). This variant is predicted to be in-frame, and likely preserves the integrity of the reading frame. This variant has not been reported in the literature in individuals affected with SETX-related conditions. Experimental studies and prediction algorithms are not available or were not evaluated, and the functional significance of this variant is currently unknown. In summary, the available evidence is currently insufficient to determine the role of this variant in disease. Therefore, it has been classified as a Variant of Uncertain Significance.

Literature cited by the submitters: PubMed 25640679.

NC_000009.11:g.(?_135209975)_(135210134_?)dup

Gene: SETX (senataxin; minus strand). Cytogenetic location: 9q34.13.
Variant type: Duplication.
Identifiers: ClinVar variation 2426042 (VCV002426042.6).